The following is an entry in ClinVar:

ClinVar aggregate classification (germline): Uncertain significance (1 of 4 stars; one submission).

Submission:

ARUP Laboratories, Molecular Genetics and Genomics, ARUP Laboratories
Classification: Uncertain significance. Last evaluated: 2024-07-31. Review status: criteria provided, single submitter. Criteria: ARUP Molecular Germline Variant Investigation Process 2024. Collection method: clinical testing. Allele origin: germline.
Comment: The Hb J-Buda variant (HBA1: c.186G>T; p.Lys62Asn, also known as Lys61Asn when numbered from the mature protein, rs281864775, HbVar ID: 90, ClinVar Variation ID: 1330840) is reported in the literature in siblings affected with erythrocytosis who also carry the Hb G-Pest variant (HBA1: c.223G>A; p.Asp75Asn), and in the heterozygous state in their healthy offspring (see link to HbVar, Hollan 1972). This variant is absent from the Genome Aggregation Database (v2.1.1), indicating it is not a common polymorphism. Computational analyses predict that this variant is deleterious (REVEL: 0.752). Due to limited information, the clinical significance of the Hb J-Buda variant is uncertain at this time. References: Link to HbVar Database: Hollan SR et al. Multiple alpha chain loci for human haemoglobins: Hb J-Buda and Hb G-Pest. Nature. 1972 Jan 7;235(5332):47-50. PMID: 4550395.

NM_000558.5(HBA1):c.186G>T (p.Lys62Asn)

Genes: HBA1 (hemoglobin subunit alpha 1; plus strand), LOC106804613 (hemoglobin subunit alpha 1 recombination region; plus strand). Cytogenetic location: 16p13.3.
Variant type: single nucleotide variant.
Coding change: c.186G>T on transcript NM_000558.5 (MANE Select); coding-DNA position 186, G replaced by T.
Protein change: p.Lys62Asn; replaces lysine 62 with asparagine.
Molecular consequence: missense variant.
Genome position (GRCh38, 1-based): chr16:177,019, G>T. VCF-style: chr16-177019-G-T. GRCh37 (hg19) VCF-style: chr16-227018-G-T.
Other names: short protein forms K62N.
Identifiers: ClinVar variation 1330840 (VCV001330840.8), dbSNP rs281864775, ClinGen allele CA276416837.